The following is an entry in ClinVar:

ClinVar aggregate classification (germline): Uncertain significance (1 of 4 stars; one submission).

Conditions:
PLXNA1-related disorder. Also called: PLXNA1-related condition.

gnomAD v4.1: 27 of 1,612,790 alleles (0.0017%); highest among the groups gnomAD compares: South Asian, 0.0088%; no homozygotes.

Submission:

PreventionGenetics, part of Exact Sciences
Classification: Uncertain significance for PLXNA1-related condition. Last evaluated: 2025-08-06. Review status: criteria provided, single submitter. Criteria: ACMG Guidelines, 2015. Collection method: clinical testing. Allele origin: germline.
Comment: The PLXNA1 c.3611C>T variant is predicted to result in the amino acid substitution p.Thr1204Met. To our knowledge, this variant has not been reported in the literature. This variant is reported in 0.0098% of alleles in individuals of South Asian descent in gnomAD. At this time, the clinical significance of this variant is uncertain due to the absence of conclusive functional and genetic evidence.

NM_032242.4(PLXNA1):c.3611C>T (p.Thr1204Met)

Gene: PLXNA1 (plexin A1; plus strand). Cytogenetic location: 3q21.3.
Variant type: single nucleotide variant.
Coding change: c.3611C>T on transcript NM_032242.4 (MANE Select); coding-DNA position 3611, C replaced by T.
Protein change: p.Thr1204Met; replaces threonine 1204 with methionine.
Molecular consequence: missense variant.
Genome position (GRCh38, 1-based): chr3:127,017,843, C>T. VCF-style: chr3-127017843-C-T. GRCh37 (hg19) VCF-style: chr3-126736686-C-T.
Other names: short protein forms T1204M.
Identifiers: ClinVar variation 4977496 (VCV004977496.1).